The following is an entry in ClinVar:

NM_015488.5(PNKD):c.371T>C (p.Ile124Thr)

Genes: PNKD (PNKD metallo-beta-lactamase domain containing; plus strand), CATIP-AS2 (CATIP antisense RNA 2; minus strand). Cytogenetic location: 2q35.
Variant type: single nucleotide variant.
Coding change: c.371T>C on transcript NM_015488.5 (MANE Select); coding-DNA position 371, T replaced by C.
Protein change: p.Ile124Thr; replaces isoleucine 124 with threonine.
Molecular consequence: missense variant.
Genome position (GRCh38, 1-based): chr2:218,340,047, T>C. VCF-style: chr2-218340047-T-C. GRCh37 (hg19) VCF-style: chr2-219204770-T-C.
Other names: c.299T>C, p.Ile100Thr (NM_022572.5); short protein forms I100T, I124T.
Identifiers: ClinVar variation 1004107 (VCV001004107.8), dbSNP rs762861678, ClinGen allele CA65758973.

ClinVar aggregate classification (germline): Uncertain significance (1 of 4 stars; one submission).

Conditions:
Paroxysmal nonkinesigenic dyskinesia. Also called: Paroxysmal non-kinesigenic dyskinesia. Identifiers: Orphanet 98810, MedGen C1869117, MONDO:0700088.

Allele frequency attached by ClinVar (database versions not stated): TOPMed 0.00001.

Submission:

Labcorp Genetics (formerly Invitae), Labcorp
Classification: Uncertain significance for Paroxysmal nonkinesigenic dyskinesia. Last evaluated: 2026-01-28. Review status: criteria provided, single submitter. Criteria: Invitae Variant Classification Sherloc (09022015). Collection method: clinical testing. Allele origin: germline.
Comment: This sequence change replaces isoleucine, which is neutral and non-polar, with threonine, which is neutral and polar, at codon 124 of the PNKD protein (p.Ile124Thr). This variant is not present in population databases (gnomAD no frequency). This variant has not been reported in the literature in individuals affected with PNKD-related conditions. ClinVar contains an entry for this variant (Variation ID: 1004107). Invitae Evidence Modeling of protein sequence and biophysical properties (such as structural, functional, and spatial information, amino acid conservation, physicochemical variation, residue mobility, and thermodynamic stability) has been performed for this missense variant. However, the output from this modeling did not meet the statistical confidence thresholds required to predict the impact of this variant on PNKD protein function. In summary, the available evidence is currently insufficient to determine the role of this variant in disease. Therefore, it has been classified as a Variant of Uncertain Significance.